The following is an entry in ClinVar:

NM_000478.6(ALPL):c.1075A>G (p.Ile359Val)

Gene: ALPL (alkaline phosphatase, biomineralization associated; plus strand). Cytogenetic location: 1p36.12.
Variant type: single nucleotide variant.
Coding change: c.1075A>G on transcript NM_000478.6 (MANE Select); coding-DNA position 1075, A replaced by G.
Protein change: p.Ile359Val; replaces isoleucine 359 with valine.
Molecular consequence: missense variant.
Genome position (GRCh38, 1-based): chr1:21,575,810, A>G. VCF-style: chr1-21575810-A-G. GRCh37 (hg19) VCF-style: chr1-21902303-A-G.
Other names: c.910A>G, p.Ile304Val (NM_001127501.4); c.844A>G, p.Ile282Val (NM_001177520.3); c.1075A>G, p.Ile359Val (NM_001369803.2, NM_001369804.2, NM_001369805.2); short protein forms I359V, I282V, I304V.
Identifiers: ClinVar variation 2796307 (VCV002796307.3), dbSNP rs1252390180, ClinGen allele CA338881178.

ClinVar aggregate classification (germline): Likely pathogenic (1 of 4 stars; one submission).

Allele frequency attached by ClinVar (database versions not stated): TOPMed below 0.00001; gnomAD 0.00001.
gnomAD v4.1: 1 of 1,614,134 alleles (0.000062%); highest among the groups gnomAD compares: Non-Finnish European, 0.000085%; no homozygotes.

Submission:

Labcorp Genetics (formerly Invitae), Labcorp
Classification: Likely pathogenic. Last evaluated: 2023-06-27. Review status: criteria provided, single submitter. Criteria: Invitae Variant Classification Sherloc (09022015). Collection method: clinical testing. Allele origin: germline.
Comment: This variant disrupts the p.Ile359 amino acid residue in ALPL. Other variant(s) that disrupt this residue have been determined to be pathogenic (PMID: 22397652, 25100374; Invitae). This suggests that this residue is clinically significant, and that variants that disrupt this residue are likely to be disease-causing. This sequence change replaces isoleucine, which is neutral and non-polar, with valine, which is neutral and non-polar, at codon 359 of the ALPL protein (p.Ile359Val). This variant is not present in population databases (gnomAD no frequency). This variant has not been reported in the literature in individuals affected with ALPL-related conditions. Advanced modeling of protein sequence and biophysical properties (such as structural, functional, and spatial information, amino acid conservation, physicochemical variation, residue mobility, and thermodynamic stability) performed at Invitae indicates that this missense variant is expected to disrupt ALPL protein function. In summary, the currently available evidence indicates that the variant is pathogenic, but additional data are needed to prove that conclusively. Therefore, this variant has been classified as Likely Pathogenic.

Literature cited by the submitters: PubMed 22397652; PubMed 25100374.